The following is an entry in ClinVar:

ClinVar aggregate classification (germline): Benign (1 of 4 stars; one submission).

Conditions:
Nail-patella syndrome (NPS). Also called: FONG DISEASE; ONYCHOOSTEODYSPLASIA; TURNER-KIESER SYNDROME. Identifiers: Orphanet 2614, MedGen C0027341, MONDO:0008061, OMIM 161200.

Allele frequency attached by ClinVar (database versions not stated): gnomAD 0.00025 and 0.00026; TOPMed 0.00033; 1000 Genomes Project 0.00060; 1000 Genomes Project 30x 0.00078.

Submission:

Illumina Laboratory Services, Illumina
Classification: Benign for Nail-patella syndrome. Last evaluated: 2018-01-13. Review status: criteria provided, single submitter. Criteria: ICSL Variant Classification Criteria 13 December 2019. Collection method: clinical testing. Allele origin: germline.
Comment: This variant was observed in the ICSL laboratory as part of a predisposition screen in an ostensibly healthy population. It had not been previously curated by ICSL or reported in the Human Gene Mutation Database (HGMD: prior to June 1st, 2018), and was therefore a candidate for classification through an automated scoring system. Utilizing variant allele frequency, disease prevalence and penetrance estimates, and inheritance mode, an automated score was calculated to assess if this variant is too frequent to cause the disease. Based on the score and internal cut-off values, a variant classified as benign is not then subjected to further curation. The score for this variant resulted in a classification of benign for this disease.

NM_001174147.2(LMX1B):c.*3338C>G

Gene: LMX1B (LIM homeobox transcription factor 1 beta; plus strand). Cytogenetic location: 9q33.3.
Variant type: single nucleotide variant.
Coding change: c.*3338C>G on transcript NM_001174147.2 (MANE Select); 3338 bases downstream of the stop codon, C replaced by G.
Molecular consequence: 3 prime UTR variant.
Genome position (GRCh38, 1-based): chr9:126,699,789, C>G. VCF-style: chr9-126699789-C-G. GRCh37 (hg19) VCF-style: chr9-129462068-C-G.
Other names: c.*3338C>G (NM_001174146.2, NM_002316.4).
Identifiers: ClinVar variation 364966 (VCV000364966.5), dbSNP rs565879113, ClinGen allele CA10632492.